The following is an entry in ClinVar:

ClinVar aggregate classification (germline): Likely benign. Review status: criteria provided, multiple submitters, no conflicts (2 of 4 stars). 3 submissions from 3 submitters: Likely benign (3). Last evaluated 2026-06-01.

Allele frequency attached by ClinVar (database versions not stated): gnomAD exomes 0.00043 and 0.00084; ESP Exome Variant Server 0.00092; gnomAD 0.00109 and 0.00111; ExAC 0.00134; 1000 Genomes Project 30x 0.00219; 1000 Genomes Project 0.00260.
gnomAD v4.1: 800 of 1,613,808 alleles (0.05%); highest among the groups gnomAD compares: African/African-American, 0.34%; 3 homozygotes.

Submissions (3):

CeGaT Center for Human Genetics Tuebingen
Classification: Likely benign. Last evaluated: 2026-06-01. Review status: criteria provided, single submitter. Criteria: CeGaT Center For Human Genetics Tuebingen Variant Classification Criteria Version 2. Collection method: clinical testing. Allele origin: germline. Affected: yes. Observed: 4 variant alleles.
Comment: HERC2: BP4, BS2

Blueprint Genetics
Classification: Likely benign. Last evaluated: 2024-11-06. Review status: criteria provided, single submitter. Criteria: ACMG Guidelines, 2015. Collection method: clinical testing. Allele origin: germline.

Labcorp Genetics (formerly Invitae), Labcorp
Classification: Likely benign. Last evaluated: 2019-12-31. Review status: criteria provided, single submitter. Criteria: Invitae Variant Classification Sherloc (09022015). Collection method: clinical testing. Allele origin: germline.

NM_004667.6(HERC2):c.4318T>C (p.Leu1440=)

Gene: HERC2 (HECT and RLD domain containing E3 ubiquitin protein ligase 2; minus strand). Cytogenetic location: 15q13.1.
Variant type: single nucleotide variant.
Coding change: c.4318T>C on transcript NM_004667.6 (MANE Select); coding-DNA position 4318, T replaced by C.
Protein change: p.Leu1440=; no amino-acid change (leucine 1440 retained).
Molecular consequence: synonymous variant.
Genome position (GRCh38, 1-based): chr15:28,233,697, A>G on the plus strand (T>C on the coding strand, the complement: HERC2 is on the minus strand). VCF-style: chr15-28233697-A-G. GRCh37 (hg19) VCF-style: chr15-28478843-A-G.
Identifiers: ClinVar variation 708838 (VCV000708838.29), dbSNP rs2525981, ClinGen allele CA7442694.
Genomic context (GRCh38, chr15:28,233,697, plus strand): 5'-AAAGTACACAGATATCGAGCTCCTTACCTAAATCTTCATGTTTTAAGAGGCAACATAACA[A>G]CAAGCGACCGACCTCTTCCACGGGATGCTCGGGGGGAAACATGATCGGTGTGGTCAAATG-3'
Protein context (NP_004658.3, residues 1430-1450): EHPVEEVGRL[Leu1440=]LCCLLKHEDL